The following is an entry in ClinVar:

ClinVar aggregate classification (germline): Pathogenic (1 of 4 stars; one submission).

Conditions:
Hereditary spastic paraplegia 15 (SPG15). Also called: SPASTIC PARAPLEGIA 15, AUTOSOMAL RECESSIVE; KJELLIN SYNDROME; SPASTIC PARAPLEGIA AND RETINAL DEGENERATION. Identifiers: Orphanet 100996, MedGen C1849128, MONDO:0010044, OMIM 270700.

Submission:

Myriad Genetics, Inc.
Classification: Pathogenic for Hereditary spastic paraplegia 15. Last evaluated: 2024-02-18. Review status: criteria provided, single submitter. Criteria: Myriad Autosomal Dominant, Autosomal Recessive and X-Linked Classification Criteria (2023). Collection method: clinical testing. Allele origin: unknown.
Comment: NM_015346.3(ZFYVE26):c.5878dupA(R1960Kfs*44) is expected to be pathogenic in the context of spastic paraplegia type 15. This variant is predicted to lead to an abnormal or absent protein product due to the creation of a premature termination codon in ZFYVE26, a gene where loss-of-function variants are known to be pathogenic. Please note: this variant was assessed in the context of healthy population screening.

NM_015346.4(ZFYVE26):c.5878dup (p.Arg1960fs)

Gene: ZFYVE26 (zinc finger FYVE-type containing 26; minus strand). Cytogenetic location: 14q24.1.
Variant type: Duplication.
Coding change: c.5878dup on transcript NM_015346.4 (MANE Select); coding-DNA position 5878, one base duplicated (A; older notation c.5878dupA).
Protein change: p.Arg1960fs; shifts the reading frame from arginine 1960.
Molecular consequence: frameshift variant.
Genome position (GRCh38, 1-based): chr14:67,766,360, T duplicated on the plus strand (A on the coding strand, the reverse complement: ZFYVE26 is on the minus strand). VCF-style (leftmost placement, unchanged base first): chr14-67766359-C-CT. GRCh37 (hg19) VCF-style: chr14-68233076-C-CT.
Other names: short protein forms R1960fs.
Identifiers: ClinVar variation 5012755 (VCV005012755.1).